The following is an entry in ClinVar:

ClinVar aggregate classification (germline): Uncertain significance. Review status: criteria provided, multiple submitters, no conflicts (2 of 4 stars). 2 submissions from 2 submitters: Uncertain significance (2). Last evaluated 2025-11-02.

Conditions:
DICER1-related tumor predisposition. Also called: DICER1 syndrome; DICER1-related pleuropulmonary blastoma cancer predisposition syndrome. Identifiers: Orphanet 284343, MedGen C3839822, MONDO:0100216.
Hereditary cancer-predisposing syndrome. Also called: Neoplastic Syndromes, Hereditary; Hereditary neoplastic syndrome; Hereditary Cancer Syndrome; Tumor predisposition. Identifiers: Orphanet 140162, MedGen C0027672, MeSH D009386, MONDO:0015356.

Allele frequency attached by ClinVar (database versions not stated): gnomAD exomes below 0.00001; TOPMed below 0.00001; ExAC 0.00001.

Submissions (2):

Labcorp Genetics (formerly Invitae), Labcorp
Classification: Uncertain significance for DICER1-related tumor predisposition. Last evaluated: 2025-11-02. Review status: criteria provided, single submitter. Criteria: Invitae Variant Classification Sherloc (09022015). Collection method: clinical testing. Allele origin: germline.
Comment: This sequence change replaces threonine, which is neutral and polar, with isoleucine, which is neutral and non-polar, at codon 66 of the DICER1 protein (p.Thr66Ile). This variant is present in population databases (rs777362732, gnomAD 0.006%). This variant has not been reported in the literature in individuals affected with DICER1-related conditions. ClinVar contains an entry for this variant (Variation ID: 1401118). Invitae Evidence Modeling of protein sequence and biophysical properties (such as structural, functional, and spatial information, amino acid conservation, physicochemical variation, residue mobility, and thermodynamic stability) indicates that this missense variant is not expected to disrupt DICER1 protein function with a negative predictive value of 95%. In summary, the available evidence is currently insufficient to determine the role of this variant in disease. Therefore, it has been classified as a Variant of Uncertain Significance.

Ambry Genetics
Classification: Uncertain significance for Hereditary cancer-predisposing syndrome. Last evaluated: 2023-06-29. Review status: criteria provided, single submitter. Criteria: Ambry Variant Classification Scheme 2023. Collection method: clinical testing. Allele origin: germline.
Comment: The p.T66I variant (also known as c.197C>T), located in coding exon 2 of the DICER1 gene, results from a C to T substitution at nucleotide position 197. The threonine at codon 66 is replaced by isoleucine, an amino acid with similar properties. This amino acid position is highly conserved in available vertebrate species. In addition, this alteration is predicted to be deleterious by in silico analysis. Since supporting evidence is limited at this time, the clinical significance of this alteration remains unclear.

NM_177438.3(DICER1):c.197C>T (p.Thr66Ile)

Gene: DICER1 (dicer 1, ribonuclease III; minus strand). Cytogenetic location: 14q32.13.
Variant type: single nucleotide variant.
Coding change: c.197C>T on transcript NM_177438.3 (MANE Select); coding-DNA position 197, C replaced by T.
Protein change: p.Thr66Ile; replaces threonine 66 with isoleucine.
Molecular consequence: missense variant.
Genome position (GRCh38, 1-based): chr14:95,132,625, G>A on the plus strand (C>T on the coding strand, the complement: DICER1 is on the minus strand). VCF-style: chr14-95132625-G-A. GRCh37 (hg19) VCF-style: chr14-95598962-G-A.
Other names: c.197C>T, p.Thr66Ile (NM_001195573.1, NM_001271282.3, NM_001291628.2 and 1 more transcripts); short protein forms T66I.
Identifiers: ClinVar variation 1401118 (VCV001401118.12), dbSNP rs777362732, ClinGen allele CA7331716.